The following is an entry in ClinVar:

NM_021930.6(RINT1):c.515+5A>C

Gene: RINT1 (RAD50 interactor 1; plus strand). Cytogenetic location: 7q22.3.
Variant type: single nucleotide variant.
Coding change: c.515+5A>C on transcript NM_021930.6 (MANE Select); 5 bases into the intron after coding-DNA position 515, A replaced by C.
Molecular consequence: intron variant.
Genome position (GRCh38, 1-based): chr7:105,542,654, A>C. VCF-style: chr7-105542654-A-C. GRCh37 (hg19) VCF-style: chr7-105183101-A-C.
Other names: c.-505+5A>C (NM_001346600.2); c.-408+5A>C (NM_001346601.2); c.-28+5A>C (NM_001346603.2); c.281+5A>C (NM_001346599.2).
Identifiers: ClinVar variation 1063562 (VCV001063562.9), dbSNP rs2133374143, ClinGen allele CA2499218626.

ClinVar aggregate classification (germline): Uncertain significance (1 of 4 stars; one submission).

Submission:

Labcorp Genetics (formerly Invitae), Labcorp
Classification: Uncertain significance. Last evaluated: 2018-05-30. Review status: criteria provided, single submitter. Criteria: Invitae Variant Classification Sherloc (09022015). Collection method: clinical testing. Allele origin: germline.
Comment: In summary, the available evidence is currently insufficient to determine the role of this variant in disease. Therefore, it has been classified as a Variant of Uncertain Significance. Nucleotide substitutions within the consensus splice site are a relatively common cause of aberrant splicing (PMID: 17576681, 9536098). Algorithms developed to predict the effect of sequence changes on RNA splicing suggest that this variant is not likely to affect RNA splicing, but this prediction has not been confirmed by published transcriptional studies. This variant has not been reported in the literature in individuals with RINT1-related disease. This variant is not present in population databases (ExAC no frequency). This sequence change falls in intron 4 of the RINT1 gene. It does not directly change the encoded amino acid sequence of the RINT1 protein, but it affects a nucleotide within the consensus splice site of the intron.

Literature cited by the submitters: PubMed 17576681; PubMed 9536098.